The following is an entry in ClinVar:

NM_022437.3(ABCG8):c.881T>G (p.Leu294Ter)

Gene: ABCG8 (ATP binding cassette subfamily G member 8; plus strand). Cytogenetic location: 2p21.
Variant type: single nucleotide variant.
Coding change: c.881T>G on transcript NM_022437.3 (MANE Select); coding-DNA position 881, T replaced by G.
Protein change: p.Leu294Ter; replaces leucine 294 with a stop codon.
Molecular consequence: nonsense.
Genome position (GRCh38, 1-based): chr2:43,852,785, T>G. VCF-style: chr2-43852785-T-G. GRCh37 (hg19) VCF-style: chr2-44079924-T-G.
Other names: c.881T>G, p.Leu294Ter (NM_001357321.2); short protein forms L294*.
Identifiers: ClinVar variation 1684427 (VCV001684427.4), dbSNP rs762279471, ClinGen allele CA1637191.

ClinVar aggregate classification (germline): Likely pathogenic. Review status: criteria provided, single submitter (1 of 4 stars). 2 submissions from 2 submitters: Likely pathogenic (1). 1 of the submissions does not count toward it.

Conditions:
Sitosterolemia 1. Identifiers: MedGen C2749759, MONDO:0020747, OMIM 210250.

Allele frequency attached by ClinVar (database versions not stated): gnomAD exomes below 0.00001; ExAC 0.00001.
gnomAD v4.1: 2 of 1,613,996 alleles (0.00012%); highest among the groups gnomAD compares: South Asian, 0.0022%; no homozygotes.

Submissions (2):

Neuberg Centre For Genomic Medicine, NCGM
Classification: Likely pathogenic for Sitosterolemia 1. Review status: criteria provided, single submitter. Criteria: ACMG Guidelines, 2015. Collection method: clinical testing. Allele origin: germline. Inheritance: Autosomal recessive inheritance. Affected: yes.
Comment: The observed stop gain c.881T>G(p.Leu294Ter) variant in ABCG8 gene has been submitted to ClinVar as pathogenic, but no details are available for independent assessment. This variant is present with an allele frequency of 0.0004% in gnomAD Exomes database. The nucleotide change c.881T>G in ABCG8 is predicted as conserved by GERP++ and PhyloP across 100 vertebrates. This variant is predicted to cause loss of normal protein function through protein truncation. Loss of function variants have been previously reported to be disease causing. Functional studies are required to prove pathogenicity of the variant. For these reasons, this variant has been classified as Likely Pathogenic.

ISTH-SSC Genomics in Thrombosis and Hemostasis, KU Leuven, Center for Molecular and Vascular Biology
Classification: Pathogenic for Sitosterolemia 1. Review status: no assertion criteria provided. Collection method: research. Allele origin: unknown. Affected: yes. Not counted in ClinVar's aggregate classification.
Comment: Submitted to GoldVariant by Dr Karyn Mégy from NIHR Bioresource - Cambridge University, UK